The following is an entry in ClinVar:

NM_199420.4(POLQ):c.3566T>A (p.Ile1189Asn)

Gene: POLQ (DNA polymerase theta; minus strand). Cytogenetic location: 3q13.33.
Variant type: single nucleotide variant.
Coding change: c.3566T>A on transcript NM_199420.4 (MANE Select); coding-DNA position 3566, T replaced by A.
Protein change: p.Ile1189Asn; replaces isoleucine 1189 with asparagine.
Molecular consequence: missense variant.
Genome position (GRCh38, 1-based): chr3:121,489,365, A>T on the plus strand (T>A on the coding strand, the complement: POLQ is on the minus strand). VCF-style: chr3-121489365-A-T. GRCh37 (hg19) VCF-style: chr3-121208212-A-T.
Other names: short protein forms I1189N.
Identifiers: ClinVar variation 1732744 (VCV001732744.2), dbSNP rs2546787254, ClinGen allele CA354099151.

ClinVar aggregate classification (germline): Uncertain significance (1 of 4 stars; one submission).

Submission:

Ambry Genetics
Classification: Uncertain significance. Last evaluated: 2022-05-28. Review status: criteria provided, single submitter. Criteria: Ambry Variant Classification Scheme 2023. Collection method: clinical testing. Allele origin: germline.
Comment: The p.I1189N variant (also known as c.3566T>A), located in coding exon 16 of the POLQ gene, results from a T to A substitution at nucleotide position 3566. The isoleucine at codon 1189 is replaced by asparagine, an amino acid with dissimilar properties. This amino acid position is conserved. In addition, this alteration is predicted to be tolerated by in silico analysis. Since supporting evidence is limited at this time, the clinical significance of this alteration remains unclear.